The following is an entry in ClinVar:

NM_000465.4(BARD1):c.3G>A (p.Met1Ile)

Gene: BARD1 (BRCA1 associated RING domain 1; minus strand). Cytogenetic location: 2q35.
Variant type: single nucleotide variant.
Coding change: c.3G>A on transcript NM_000465.4 (MANE Select); coding-DNA position 3, G replaced by A.
Protein change: p.Met1Ile; changes the start codon (methionine 1).
Molecular consequence: missense variant, initiator codon variant. On other transcripts: non-coding transcript variant (3).
Genome position (GRCh38, 1-based): chr2:214,809,567, C>T on the plus strand (G>A on the coding strand, the complement: BARD1 is on the minus strand). VCF-style: chr2-214809567-C-T. GRCh37 (hg19) VCF-style: chr2-215674291-C-T.
Other names: p.M1I:ATG>ATA; c.3G>A, p.Met1Ile (NM_001282543.2, NM_001282545.2, NM_001282548.2 and 1 more transcripts); short protein forms M1I.
Identifiers: ClinVar variation 127739 (VCV000127739.20), dbSNP rs587780031, ClinGen allele CA287547.
Genomic context (GRCh38, chr2:214,809,567, plus strand): 5'-ACGAGGCTCGTTCCCGGAGCGGATCCTCGGCTGCCGGTTCCTCGGCTGCCGATTATCCGG[C>T]ATCGTCCCGCCTTCGGATGAAAGGCTCCTCGCAGAGCGGGAAGCAAGGAAGCCTCGGGAA-3'
Protein context (NP_000456.2, residues 1-11): [Met1Ile]PDNRQPRNRQ

ClinVar aggregate classification (germline): Conflicting classifications of pathogenicity. Review status: criteria provided, conflicting classifications (1 of 4 stars). 4 submissions from 4 submitters: Likely pathogenic (1); Uncertain significance (2). 1 of the submissions does not count toward it. Last evaluated 2025-10-15.

Conditions:
Hereditary cancer-predisposing syndrome. Also called: Hereditary neoplastic syndrome; Neoplastic Syndromes, Hereditary; Hereditary Cancer Syndrome; Tumor predisposition. Identifiers: Orphanet 140162, MedGen C0027672, MeSH D009386, MONDO:0015356.
Familial cancer of breast. Also called: Hereditary breast cancer; BREAST CANCER, FAMILIAL; hereditary breast carcinoma. Identifiers: Orphanet 227535, MedGen C0346153, MONDO:0016419, OMIM 114480. Disease mechanism: loss of function.
Malignant tumor of breast. Also called: Malignant breast neoplasm; Cancer breast. Identifiers: MedGen C0006142, MONDO:0007254. Disease mechanism: loss of function.

Allele frequency attached by ClinVar (database versions not stated): gnomAD exomes below 0.00001.

Submissions (4):

Ambry Genetics
Classification: Uncertain significance for Hereditary cancer-predisposing syndrome. Last evaluated: 2025-10-15. Review status: criteria provided, single submitter. Criteria: Ambry Variant Classification Scheme 2023. Collection method: clinical testing. Allele origin: germline.
Comment: The p.M1? variant (also known as c.3G>A) is located in coding exon 1 of the BARD1 gene and results from a G to A substitution at nucleotide position 3. This alters the methionine residue at the initiation codon (ATG). Variations that modify the initiation codon (ATG) are expected to result in either loss of translation initiation, N-terminal truncation, or cause a shift in the mRNA reading frame; however, there is an in-frame methionine 25 amino acids from the initiation site, which may result in N-terminal truncation of unknown functional significance. Based on the available evidence, the clinical significance of this variant remains unclear.

Labcorp Genetics (formerly Invitae), Labcorp
Classification: Uncertain significance for Familial cancer of breast. Last evaluated: 2025-01-02. Review status: criteria provided, single submitter. Criteria: Invitae Variant Classification Sherloc (09022015). Collection method: clinical testing. Allele origin: germline.
Comment: This sequence change affects the initiator methionine of the BARD1 mRNA. The next in-frame methionine is located at codon 26. This variant is not present in population databases (gnomAD no frequency). Disruption of the initiator codon has been observed in individual(s) with breast cancer (PMID: 26681312). ClinVar contains an entry for this variant (Variation ID: 127739). In summary, the available evidence is currently insufficient to determine the role of this variant in disease. Therefore, it has been classified as a Variant of Uncertain Significance.

GeneDx
Classification: Likely pathogenic. Last evaluated: 2021-09-13. Review status: criteria provided, single submitter. Criteria: GeneDx Variant Classification Process June 2021. Collection method: clinical testing. Allele origin: germline. Affected: yes.
Comment: Initiation codon variant in a gene for which loss-of-function is a known mechanism of disease; Not observed at significant frequency in large population cohorts (Lek 2016); Observed in an individual with a personal history of breast cancer (Susswein 2016); This variant is associated with the following publications: (PMID: 26681312)

Department of Pathology and Laboratory Medicine, Sinai Health System
Classification: Pathogenic for Malignant tumor of breast. Review status: no assertion criteria provided. Collection method: clinical testing. Allele origin: unknown. Affected: yes. Study: The Canadian Open Genetics Repository (COGR). Not counted in ClinVar's aggregate classification.
Comment: The BARD1 p.Met1? variant was identified in 1 of 20060 proband chromosomes (frequency: 0.00005) from individuals with breast cancer (Susswein 2015). The variant was identified in dbSNP (rs587780031) as â€šÃ„Ãºwith pathogenic alleleâ€šÃ„Ã¹ and ClinVar (classified as pathogenic by GeneDx). The variant was not identified in the following control databases: the Exome Aggregation Consortium (August 8th 2016), or the Genome Aggregation Database (Feb 27, 2017). The c.3G>A variant occurs in the first base of the translation initiation site (the methionine amino acid start site), increasing the likelihood this variant may disrupt translation and lead to an abnormal protein product. In summary, based on the above information this variant meets our laboratoryâ€šÃ„Ã´s criteria to be classified as pathogenic.

Literature cited by the submitters: PubMed 26681312 (cited by Ambry Genetics and Labcorp Genetics (formerly Invitae), Labcorp); PubMed 27153395 (cited by Ambry Genetics); PubMed 32885271 (cited by Ambry Genetics).